The following is an entry in ClinVar:

ClinVar aggregate classification (germline): Uncertain significance (1 of 4 stars; one submission).

gnomAD v4.1: 1 of 1,612,686 alleles (0.000062%); highest among the groups gnomAD compares: Non-Finnish European, 0.000085%; no homozygotes.

Submission:

GeneDx
Classification: Uncertain significance. Last evaluated: 2025-06-20. Review status: criteria provided, single submitter. Criteria: GeneDx Variant Classification Process June 2021. Collection method: clinical testing. Allele origin: germline. Affected: yes.
Comment: Not observed at significant frequency in large population cohorts (gnomAD); In silico analysis suggests that this missense variant does not alter protein structure/function; Has not been previously published as pathogenic or benign to our knowledge

NM_006565.4(CTCF):c.1829C>T (p.Ser610Phe)

Gene: CTCF (CCCTC-binding factor; plus strand). Cytogenetic location: 16q22.1.
Variant type: single nucleotide variant.
Coding change: c.1829C>T on transcript NM_006565.4 (MANE Select); coding-DNA position 1829, C replaced by T.
Protein change: p.Ser610Phe; replaces serine 610 with phenylalanine.
Molecular consequence: missense variant.
Genome position (GRCh38, 1-based): chr16:67,629,525, C>T. VCF-style: chr16-67629525-C-T. GRCh37 (hg19) VCF-style: chr16-67663428-C-T.
Other names: c.845C>T, p.Ser282Phe (NM_001191022.2); c.1829C>T, p.Ser610Phe (NM_001363916.2, NM_001438968.1, NM_001438969.1); short protein forms S282F, S610F.
Identifiers: ClinVar variation 4538991 (VCV004538991.1).